The following is an entry in ClinVar:

ClinVar aggregate classification (germline): Uncertain significance (1 of 4 stars; one submission).

Submission:

Greenwood Genetic Center Diagnostic Laboratories, Greenwood Genetic Center
Classification: Uncertain significance. Last evaluated: 2024-11-11. Review status: criteria provided, single submitter. Criteria: ACMG Guidelines, 2015. Collection method: clinical testing. Allele origin: germline. Affected: yes.
Comment: PM2, BP4

NM_002547.3(OPHN1):c.1096A>G (p.Lys366Glu)

Gene: OPHN1 (oligophrenin 1; minus strand). Cytogenetic location: Xq12.
Variant type: single nucleotide variant.
Coding change: c.1096A>G on transcript NM_002547.3 (MANE Select); coding-DNA position 1096, A replaced by G.
Protein change: p.Lys366Glu; replaces lysine 366 with glutamic acid.
Molecular consequence: missense variant.
Genome position (GRCh38, 1-based): chrX:68,197,194, T>C on the plus strand (A>G on the coding strand, the complement: OPHN1 is on the minus strand). VCF-style: chrX-68197194-T-C. GRCh37 (hg19) VCF-style: chrX-67417036-T-C.
Other names: short protein forms K366E.
Identifiers: ClinVar variation 3765759 (VCV003765759.1).